The following is an entry in ClinVar:

NM_001323289.2(CDKL5):c.1572G>C (p.Leu524Phe)

Gene: CDKL5 (cyclin dependent kinase like 5; plus strand). Cytogenetic location: Xp22.13.
Variant type: single nucleotide variant.
Coding change: c.1572G>C on transcript NM_001323289.2 (MANE Select); coding-DNA position 1572, G replaced by C.
Protein change: p.Leu524Phe; replaces leucine 524 with phenylalanine.
Molecular consequence: missense variant.
Genome position (GRCh38, 1-based): chrX:18,604,496, G>C. VCF-style: chrX-18604496-G-C. GRCh37 (hg19) VCF-style: chrX-18622616-G-C.
Other names: c.1572G>C, p.Leu524Phe (NM_001037343.2, NM_003159.3); short protein forms L524F.
Identifiers: ClinVar variation 4532757 (VCV004532757.1).

ClinVar aggregate classification (germline): Uncertain significance (1 of 4 stars; one submission).

Submission:

GeneDx
Classification: Uncertain significance. Last evaluated: 2025-06-01. Review status: criteria provided, single submitter. Criteria: GeneDx Variant Classification Process June 2021. Collection method: clinical testing. Allele origin: germline. Affected: yes.
Comment: Not observed at significant frequency in large population cohorts (gnomAD); In silico analysis suggests that this missense variant does not alter protein structure/function; Has not been previously published as pathogenic or benign to our knowledge